The following is an entry in ClinVar:

NM_198904.4(GABRG2):c.1002G>A (p.Ala334=)

Gene: GABRG2 (gamma-aminobutyric acid type A receptor subunit gamma2; plus strand). Cytogenetic location: 5q34.
Variant type: single nucleotide variant.
Coding change: c.1002G>A on transcript NM_198904.4 (MANE Select); coding-DNA position 1002, G replaced by A.
Protein change: p.Ala334=; no amino-acid change (alanine 334 retained).
Molecular consequence: synonymous variant. On other transcripts: intron variant (1).
Genome position (GRCh38, 1-based): chr5:162,149,187, G>A. VCF-style: chr5-162149187-G-A. GRCh37 (hg19) VCF-style: chr5-161576193-G-A.
Other names: c.993G>A, p.Ala331= (NM_001375339.1); c.999G>A, p.Ala333= (NM_001375341.1, NM_001375342.1); c.1122G>A, p.Ala374= (NM_001375343.1, NM_198903.2); c.1041G>A, p.Ala347= (NM_001375344.1); c.936G>A, p.Ala312= (NM_001375345.1, NM_001375346.1); c.915G>A, p.Ala305= (NM_001375347.1); c.582G>A, p.Ala194= (NM_001375348.1, NM_001375350.1); c.717G>A, p.Ala239= (NM_001375349.1); and 2 more.
Identifiers: ClinVar variation 507221 (VCV000507221.52), dbSNP rs371601817, ClinGen allele CA3544865.

ClinVar aggregate classification (germline): Conflicting classifications of pathogenicity. Review status: criteria provided, conflicting classifications (1 of 4 stars). 5 submissions from 5 submitters: Uncertain significance (1); Benign (1); Likely benign (2). 1 of the submissions does not count toward it. Last evaluated 2024-06-17.

Conditions:
Febrile seizures, familial, 8 (FEB8). Also called: CONVULSIONS, FAMILIAL FEBRILE, 8. Identifiers: Orphanet 36387, MedGen C1969810, MONDO:0011891, OMIM 607681.
EPILEPSY, CHILDHOOD ABSENCE, SUSCEPTIBILITY TO, 2 (ECA2). Identifiers: Orphanet 64280, MedGen C1843244, OMIM 607681.
GABRG2-related disorder. Also called: GABRG2-related condition.

Allele frequency attached by ClinVar (database versions not stated): gnomAD 0.00001; gnomAD exomes 0.00003 and 0.00004; TOPMed 0.00003; ExAC 0.00006; ESP Exome Variant Server 0.00008.
gnomAD v4.1: 40 of 1,613,946 alleles (0.0025%); highest among the groups gnomAD compares: South Asian, 0.019%; 1 homozygote.

Submissions (5):

Labcorp Genetics (formerly Invitae), Labcorp
Classification: Benign for Febrile seizures, familial, 8; EPILEPSY, CHILDHOOD ABSENCE, SUSCEPTIBILITY TO, 2. Last evaluated: 2024-06-17. Review status: criteria provided, single submitter. Criteria: Invitae Variant Classification Sherloc (09022015). Collection method: clinical testing. Allele origin: germline.

Blueprint Genetics
Classification: Likely benign. Last evaluated: 2020-05-15. Review status: criteria provided, single submitter. Criteria: ACMG Guidelines, 2015. Collection method: clinical testing. Allele origin: germline.

GeneDx
Classification: Likely benign. Last evaluated: 2019-09-11. Review status: criteria provided, single submitter. Criteria: GeneDx Variant Classification Process June 2021. Collection method: clinical testing. Allele origin: germline. Affected: yes.

CeGaT Center for Human Genetics Tuebingen
Classification: Uncertain significance. Last evaluated: 2017-01-01. Review status: criteria provided, single submitter. Criteria: CeGaT Center For Human Genetics Tuebingen Variant Classification Criteria Version 2. Collection method: clinical testing. Allele origin: germline. Affected: yes. Observed: 1 variant allele.

PreventionGenetics, part of Exact Sciences
Classification: Likely benign for GABRG2-related condition. Last evaluated: 2020-03-05. Review status: no assertion criteria provided. Collection method: clinical testing. Allele origin: germline. Not counted in ClinVar's aggregate classification.
Comment: This variant is classified as likely benign based on ACMG/AMP sequence variant interpretation guidelines (Richards et al. 2015 PMID: 25741868, with internal and published modifications).